The following is an entry in ClinVar:

NM_000138.5(FBN1):c.2011A>C (p.Ile671Leu)

Gene: FBN1 (fibrillin 1; minus strand). Cytogenetic location: 15q21.1.
Variant type: single nucleotide variant.
Coding change: c.2011A>C on transcript NM_000138.5 (MANE Select); coding-DNA position 2011, A replaced by C.
Protein change: p.Ile671Leu; replaces isoleucine 671 with leucine.
Molecular consequence: missense variant.
Genome position (GRCh38, 1-based): chr15:48,503,889, T>G on the plus strand (A>C on the coding strand, the complement: FBN1 is on the minus strand). VCF-style: chr15-48503889-T-G. GRCh37 (hg19) VCF-style: chr15-48796086-T-G.
Other names: c.2011A>C, p.Ile671Leu (NM_001406716.1); short protein forms I671L.
Identifiers: ClinVar variation 3386844 (VCV003386844.1).

ClinVar aggregate classification (germline): Uncertain significance (1 of 4 stars; one submission).

Conditions:
Marfan syndrome (MFS). Also called: MARFAN SYNDROME, TYPE I; Marfan syndrome type 1; Marfan's syndrome; FBN1-Related Marfan Syndrome; Marfan syndrome, classic. Identifiers: Orphanet 284963, Orphanet 558, MedGen C0024796, MONDO:0007947, OMIM 154700.

gnomAD v4.1: 1 of 1,614,228 alleles (0.000062%); highest among the groups gnomAD compares: South Asian, 0.0011%; no homozygotes.

Submission:

All of Us Research Program, National Institutes of Health
Classification: Uncertain significance for Marfan syndrome. Last evaluated: 2024-03-05. Review status: criteria provided, single submitter. Criteria: ACMG Guidelines, 2015. Collection method: clinical testing. Allele origin: germline. Inheritance: Autosomal dominant inheritance. Observed: 1 variant allele, 1 heterozygote.
Comment: This study involves interpretation of variants in research participants for the purpose of population health screening. Participant phenotype was not available at the time of variant classification. Additional details can be found in publication PMID: 35346344, PMCID: PMC8962531